The following is an entry in ClinVar:

ClinVar aggregate classification (germline): Uncertain significance (1 of 4 stars; one submission).

Conditions:
Susceptibility to HIV infection. Also called: HIV-1, SUSCEPTIBILITY TO; HUMAN IMMUNODEFICIENCY VIRUS TYPE 1, RESISTANCE TO; Human immunodeficiency virus type 1, susceptibility to. Identifiers: MedGen C1836230, MONDO:0004951, OMIM 609423.

Submission:

Centro de Genética y Biología Molecular, Universidad de San Martín de Porres
Classification: Uncertain significance for Susceptibility to HIV infection. Last evaluated: 2025-01-20. Review status: criteria provided, single submitter. Criteria: ACMG Guidelines, 2015. Collection method: research. Allele origin: germline. Affected: yes. Observed: 1 heterozygote.
Comment: The NM_001318399.1:c.38C>T (p.Pro13Leu) variant in the NUP160 gene is a missense change located within a structurally important region of the protein, specifically at position 13, which lies within an α-helix and is moderately to highly conserved across species (conservation score: 0.69), supporting application of the PM1 criterion under ACMG/AMP guidelines. It is absent from major population frequency databases, including gnomAD, 1000 Genomes, and ExAC, supporting application of the PM2 criterion. To date, no functional assays or familial segregation studies have been reported to clarify its pathogenic or benign nature. Based on the available evidence, this variant is classified as of Uncertain Significance (VUS) according to ACMG/AMP guidelines, supported by PM1 and PM2.

NM_001318399.1(NUP160):c.38C>T (p.Pro13Leu)

Genes: NUP160 (nucleoporin 160; minus strand), LOC130005685 (ATAC-STARR-seq lymphoblastoid active region 4704; plus strand). Cytogenetic location: 11p11.2.
Variant type: single nucleotide variant.
Coding change: c.38C>T on transcript NM_001318399.1; coding-DNA position 38, C replaced by T.
Protein change: p.Pro13Leu; replaces proline 13 with leucine.
Molecular consequence: missense variant.
Genome position (GRCh38, 1-based): chr11:47,848,383, G>A on the plus strand (C>T on the coding strand, the complement: NUP160 is on the minus strand). VCF-style: chr11-47848383-G-A. GRCh37 (hg19) VCF-style: chr11-47869935-G-A.
Other names: short protein forms P13L.
Identifiers: ClinVar variation 4075743 (VCV004075743.1).
Genomic context (GRCh38, chr11:47,848,383, plus strand): 5'-CCGCCGTCGCCGCGACGCCCAACGGAACAAAGGCAGGGCCGCGCGGTCGCCGTCACTTCC[G>A]GGGGTGGGGCGGGCGGAGCTGCGGACAGGTGAAGCATTCCGGGAGCAGAAAGGCGGCTCC-3'